The following is an entry in ClinVar:

NM_000368.5(TSC1):c.3228C>T (p.Thr1076=)

Gene: TSC1 (TSC complex subunit 1; minus strand). Cytogenetic location: 9q34.13.
Variant type: single nucleotide variant.
Coding change: c.3228C>T on transcript NM_000368.5 (MANE Select); coding-DNA position 3228, C replaced by T.
Protein change: p.Thr1076=; no amino-acid change (threonine 1076 retained).
Molecular consequence: synonymous variant.
Genome position (GRCh38, 1-based): chr9:132,896,502, G>A on the plus strand (C>T on the coding strand, the complement: TSC1 is on the minus strand). VCF-style: chr9-132896502-G-A. GRCh37 (hg19) VCF-style: chr9-135771889-G-A.
Other names: c.3225C>T, p.Thr1075= (NM_001162426.2); c.3075C>T, p.Thr1025= (NM_001162427.2); c.2865C>T, p.Thr955= (NM_001362177.2).
Identifiers: ClinVar variation 466125 (VCV000466125.22), dbSNP rs140622357, ClinGen allele CA036185.

ClinVar aggregate classification (germline): Benign/Likely benign. Review status: criteria provided, multiple submitters, no conflicts (2 of 4 stars). 7 submissions from 7 submitters: Benign (2); Likely benign (5). Last evaluated 2025-12-02.

Conditions:
Hereditary cancer-predisposing syndrome. Also called: Hereditary neoplastic syndrome; Neoplastic Syndromes, Hereditary; Tumor predisposition; Hereditary Cancer Syndrome. Identifiers: Orphanet 140162, MedGen C0027672, MeSH D009386, MONDO:0015356.
Tuberous sclerosis syndrome (TSC). Also called: Tuberous Sclerosis Complex; Tuberous sclerosis. Identifiers: Orphanet 805, MedGen C0041341, MONDO:0001734.
Tuberous sclerosis 1 (TSC1). Identifiers: Orphanet 805, MedGen C1854465, MONDO:0008612, OMIM 191100.

Allele frequency attached by ClinVar (database versions not stated): ExAC 0.00001; gnomAD 0.00001; gnomAD exomes 0.00001.

Submissions (7):

Labcorp Genetics (formerly Invitae), Labcorp
Classification: Likely benign for Tuberous sclerosis 1. Last evaluated: 2025-12-02. Review status: criteria provided, single submitter. Criteria: Invitae Variant Classification Sherloc (09022015). Collection method: clinical testing. Allele origin: germline.

Myriad Genetics, Inc.
Classification: Benign for Tuberous sclerosis 1. Last evaluated: 2025-04-30. Review status: criteria provided, single submitter. Criteria: Myriad Autosomal Dominant, Autosomal Recessive and X-Linked Classification Criteria (2023). Collection method: clinical testing. Allele origin: unknown.
Comment: This variant is considered benign. This variant is a silent/synonymous amino acid change and it is not expected to impact splicing.

All of Us Research Program, National Institutes of Health
Classification: Likely benign for Tuberous sclerosis syndrome. Last evaluated: 2023-09-04. Review status: criteria provided, single submitter. Criteria: ACMG Guidelines, 2015. Collection method: clinical testing. Allele origin: germline. Inheritance: Autosomal dominant inheritance. Observed: 2 variant alleles, 2 heterozygotes.
Comment: This study involves interpretation of variants in research participants for the purpose of population health screening. Participant phenotype was not available at the time of variant classification. Additional details can be found in publication PMID: 35346344, PMCID: PMC8962531

Color Diagnostics, LLC DBA Color Health
Classification: Likely benign for Tuberous sclerosis syndrome. Last evaluated: 2022-11-11. Review status: criteria provided, single submitter. Criteria: ACMG Guidelines, 2015. Collection method: clinical testing. Allele origin: germline.

Sema4
Classification: Likely benign for Hereditary cancer-predisposing syndrome. Last evaluated: 2022-01-04. Review status: criteria provided, single submitter. Criteria: Sema4 Curation Guidelines. Collection method: curation. Allele origin: germline.

Genome-Nilou Lab
Classification: Benign for Tuberous sclerosis 1. Last evaluated: 2021-11-07. Review status: criteria provided, single submitter. Criteria: ACMG Guidelines, 2015. Collection method: clinical testing. Allele origin: germline. Affected: no.

Ambry Genetics
Classification: Likely benign for Hereditary cancer-predisposing syndrome. Last evaluated: 2018-06-29. Review status: criteria provided, single submitter. Criteria: Ambry Variant Classification Scheme 2023. Collection method: clinical testing. Allele origin: germline.